The following is an entry in ClinVar:

ClinVar aggregate classification (germline): Conflicting classifications of pathogenicity. Review status: criteria provided, conflicting classifications (1 of 4 stars). 2 submissions from 2 submitters: Uncertain significance (1); Likely benign (1). Last evaluated 2023-11-01.

Allele frequency attached by ClinVar (database versions not stated): ExAC 0.00002; ESP Exome Variant Server 0.00008; TOPMed 0.00009; gnomAD 0.00013; 1000 Genomes Project 30x 0.00016; 1000 Genomes Project 0.00020.
gnomAD v4.1: 42 of 1,612,356 alleles (0.0026%); highest among the groups gnomAD compares: African/African-American, 0.046%; no homozygotes.

Submissions (2):

CeGaT Center for Human Genetics Tuebingen
Classification: Likely benign. Last evaluated: 2023-11-01. Review status: criteria provided, single submitter. Criteria: CeGaT Center For Human Genetics Tuebingen Variant Classification Criteria Version 2. Collection method: clinical testing. Allele origin: germline. Affected: yes. Observed: 1 variant allele.
Comment: FAT3: BP4

Ambry Genetics
Classification: Uncertain significance. Last evaluated: 2023-09-25. Review status: criteria provided, single submitter. Criteria: Ambry Variant Classification Scheme 2023. Collection method: clinical testing. Allele origin: germline.

NM_001367949.2(FAT3):c.13237T>A (p.Ser4413Thr)

Gene: FAT3 (FAT atypical cadherin 3; plus strand). Cytogenetic location: 11q14.3.
Variant type: single nucleotide variant.
Coding change: c.13237T>A on transcript NM_001367949.2 (MANE Select); coding-DNA position 13237, T replaced by A.
Protein change: p.Ser4413Thr; replaces serine 4413 with threonine.
Molecular consequence: missense variant.
Genome position (GRCh38, 1-based): chr11:92,890,580, T>A. VCF-style: chr11-92890580-T-A. GRCh37 (hg19) VCF-style: chr11-92623746-T-A.
Other names: c.13141T>A, p.Ser4381Thr (NM_001008781.3); c.13141T>A (NM_001008781.2); short protein forms S4381T, S4413T.
Identifiers: ClinVar variation 2642287 (VCV002642287.25), dbSNP rs373759014, ClinGen allele CA6228742.